The following is an entry in ClinVar:

ClinVar aggregate classification (germline): Conflicting classifications of pathogenicity. Review status: criteria provided, conflicting classifications (1 of 4 stars). 3 submissions from 3 submitters: Likely pathogenic (2); Uncertain significance (1). Last evaluated 2025-10-15.

Conditions:
Eichsfeld type congenital muscular dystrophy (CMYO3). Also called: Rigid spine muscular dystrophy 1; MYOPATHY, SEPN1-RELATED; SELENON-related myopathy; Congenital myopathy 3 with rigid spine. Identifiers: MedGen C0410180, MONDO:0100100, OMIM 602771.

Submissions (3):

Women's Health and Genetics/Laboratory Corporation of America, LabCorp
Classification: Likely pathogenic for Eichsfeld type congenital muscular dystrophy. Last evaluated: 2025-10-15. Review status: criteria provided, single submitter. Criteria: LabCorp Variant Classification Summary - May 2015. Collection method: clinical testing. Allele origin: germline.
Comment: Variant summary: SELENON c.943G>C (p.Gly315Arg) results in a non-conservative amino acid change in the encoded protein sequence. Algorithms developed to predict the effect of missense changes on protein structure and function all suggest that this variant is likely to be disruptive. The frequency data for this variant in gnomAD is considered unreliable, as metrics indicate poor data quality at this position. c.943G>C has been observed in an individual affected with congenital myopathy (Natera-de Benito_2021). These data indicate that the variant may be associated with disease. Other variants affecting the same codon have been classified as likely pathogenic/pathogenic by our lab (c.943G>A/p.Gly315Ser, c.944G>A/p.Gly315Asp), supporting the critical relevance of codon 315 to SELENON protein function. To our knowledge, no experimental evidence demonstrating an impact on protein function has been reported. The following publication has been ascertained in the context of this evaluation (PMID: 33333461). ClinVar contains an entry for this variant (Variation ID: 661692). Based on the evidence outlined above, the variant was classified as likely pathogenic.

Population and Medical Genomics Lab, Sidra Medicine
Classification: Likely pathogenic for Eichsfeld type congenital muscular dystrophy. Last evaluated: 2025-09-14. Review status: criteria provided, single submitter. Criteria: ACMG Guidelines, 2015. Collection method: research. Allele origin: biparental. Inheritance: Autosomal recessive inheritance. Affected: yes. Observed: 1 homozygote.
Comment: Gly315Arg biparental missense variant in SELENON gene associated with Congenital myopathy-3 with rigid spine. Congenital myopathy-3 with rigid spine (CMYO3) is an autosomal recessive disorder of the skeletal muscle characterized by hypotonia and proximal muscle weakness apparent from birth or early childhood. The variant was previously reported once as VUS in ClinVar. Affected individuals show delayed motor development and develop progressive severe and deforming scoliosis ('rigid spine') in the first or second decades. Respiratory involvement due to diaphragmatic weakness is common, and most patients require ventilatory support due to nocturnal hypoventilation; recurrent respiratory infections are also observed. The Gly315Arg variant meets our criteria to be classified as likely pathogenic: PM2 (absent in gnomAD version 4.1.0), PM5 (missense change at an amino acid residue where different pathogenic missense mutations have been reported; p.Gly315Asp & p.Gly315Ser rs121908188 ), PP4 (patient's phenotype is highly specific for the gene: Definitive relation on ClinGen and Decipher G2P with Selenon-related myopathy ), PP3 (in silico scores predict a damaging effect: CADD 29.8 & REVEL 0.9).

Labcorp Genetics (formerly Invitae), Labcorp
Classification: Uncertain significance for Eichsfeld type congenital muscular dystrophy. Last evaluated: 2021-08-27. Review status: criteria provided, single submitter. Criteria: Invitae Variant Classification Sherloc (09022015). Collection method: clinical testing. Allele origin: germline.

Literature cited by the submitters: PubMed 33333461 (cited by Women's Health and Genetics/Laboratory Corporation of America, LabCorp).

NM_206926.2(SELENON):c.841G>C (p.Gly281Arg)

Gene: SELENON (selenoprotein N; plus strand). Cytogenetic location: 1p36.11.
Variant type: single nucleotide variant.
Coding change: c.841G>C on transcript NM_206926.2 (MANE Select); coding-DNA position 841, G replaced by C.
Protein change: p.Gly281Arg; replaces glycine 281 with arginine.
Molecular consequence: missense variant.
Genome position (GRCh38, 1-based): chr1:25,809,753, G>C. VCF-style: chr1-25809753-G-C. GRCh37 (hg19) VCF-style: chr1-26136244-G-C.
Other names: c.943G>C, p.Gly315Arg (NM_020451.3); short protein forms G315R, G281R.
Identifiers: ClinVar variation 661692 (VCV000661692.5), dbSNP rs121908188, ClinGen allele CA339114745.